The following is an entry in ClinVar:

NM_001377.3(DYNC2H1):c.12578G>A (p.Arg4193His)

Gene: DYNC2H1 (dynein cytoplasmic 2 heavy chain 1; plus strand). Cytogenetic location: 11q22.3.
Variant type: single nucleotide variant.
Coding change: c.12578G>A on transcript NM_001377.3 (MANE Select); coding-DNA position 12578, G replaced by A.
Protein change: p.Arg4193His; replaces arginine 4193 with histidine.
Molecular consequence: missense variant.
Genome position (GRCh38, 1-based): chr11:103,456,286, G>A. VCF-style: chr11-103456286-G-A. GRCh37 (hg19) VCF-style: chr11-103327014-G-A.
Other names: c.12599G>A, p.Arg4200His (NM_001080463.2); c.12599G>A (NM_001080463.1); short protein forms R4193H, R4200H.
Identifiers: ClinVar variation 1621523 (VCV001621523.32), dbSNP rs201699865, ClinGen allele CA6255615.

ClinVar aggregate classification (germline): Conflicting classifications of pathogenicity. Review status: criteria provided, conflicting classifications (1 of 4 stars). 4 submissions from 4 submitters: Uncertain significance (1); Likely benign (2). 1 of the submissions does not count toward it. Last evaluated 2025-12-15.

Conditions:
Jeune thoracic dystrophy. Also called: Short-rib thoracic dysplasia; Jeune syndrome; Infantile thoracic dystrophy; Thoracic pelvic phalangeal dystrophy; Jeune's syndrome; Chondroectodermal dysplasia-like syndrome. Identifiers: Orphanet 474, MedGen C0265275, MONDO:0018770.
Inborn genetic diseases. Identifiers: MedGen C0950123, MeSH D030342.
Retinal dystrophy. Also called: Inherited retinal dystrophy. Identifiers: Orphanet 71862, MedGen C0854723, MeSH D058499, MONDO:0019118, HP:0000556.

Allele frequency attached by ClinVar (database versions not stated): gnomAD 0.00005; gnomAD exomes 0.00007; TOPMed 0.00007; ESP Exome Variant Server 0.00008; ExAC 0.00011; 1000 Genomes Project 30x 0.00016; 1000 Genomes Project 0.00020.
gnomAD v4.1: 112 of 1,608,400 alleles (0.007%); highest among the groups gnomAD compares: East Asian, 0.018%; 1 homozygote.

Submissions (4):

Ambry Genetics
Classification: Uncertain significance for Inborn genetic diseases. Last evaluated: 2025-12-15. Review status: criteria provided, single submitter. Criteria: Ambry Variant Classification Scheme 2023. Collection method: clinical testing. Allele origin: germline.

CeGaT Center for Human Genetics Tuebingen
Classification: Likely benign. Last evaluated: 2025-09-01. Review status: criteria provided, single submitter. Criteria: CeGaT Center For Human Genetics Tuebingen Variant Classification Criteria Version 2. Collection method: clinical testing. Allele origin: germline. Affected: yes. Observed: 2 variant alleles.
Comment: DYNC2H1: BP4

Labcorp Genetics (formerly Invitae), Labcorp
Classification: Likely benign for Jeune thoracic dystrophy. Last evaluated: 2025-03-10. Review status: criteria provided, single submitter. Criteria: Invitae Variant Classification Sherloc (09022015). Collection method: clinical testing. Allele origin: germline.

Institute of Human Genetics, Univ. Regensburg, Univ. Regensburg
Classification: Uncertain significance for Retinal dystrophy. Last evaluated: 2022-01-01. Review status: no assertion criteria provided. Criteria: ACMG Guidelines, 2015. Collection method: clinical testing. Allele origin: germline. Affected: yes. Not counted in ClinVar's aggregate classification.